The following is an entry in ClinVar:

ClinVar aggregate classification (germline): Uncertain significance (1 of 4 stars; one submission).

Allele frequency attached by ClinVar (database versions not stated): gnomAD exomes below 0.00001.

Submission:

Ambry Genetics
Classification: Uncertain significance. Last evaluated: 2024-03-04. Review status: criteria provided, single submitter. Criteria: Ambry Variant Classification Scheme 2023. Collection method: clinical testing. Allele origin: germline.
Comment: The p.M1452L variant (also known as c.4354A>T), located in coding exon 31 of the MYOM1 gene, results from an A to T substitution at nucleotide position 4354. The methionine at codon 1452 is replaced by leucine, an amino acid with highly similar properties. This amino acid position is conserved. In addition, this alteration is predicted to be tolerated by in silico analysis. Based on the available evidence, the clinical significance of this alteration remains unclear.

NM_003803.4(MYOM1):c.4354A>T (p.Met1452Leu)

Gene: MYOM1 (myomesin 1; minus strand). Cytogenetic location: 18p11.31.
Variant type: single nucleotide variant.
Coding change: c.4354A>T on transcript NM_003803.4 (MANE Select); coding-DNA position 4354, A replaced by T.
Protein change: p.Met1452Leu; replaces methionine 1452 with leucine.
Molecular consequence: missense variant.
Genome position (GRCh38, 1-based): chr18:3,084,013, T>A on the plus strand (A>T on the coding strand, the complement: MYOM1 is on the minus strand). VCF-style: chr18-3084013-T-A. GRCh37 (hg19) VCF-style: chr18-3084011-T-A.
Other names: c.4066A>T, p.Met1356Leu (NM_019856.2); short protein forms M1356L, M1452L.
Identifiers: ClinVar variation 3223566 (VCV003223566.1), dbSNP rs2510486626, ClinGen allele CA401709986.